The following is an entry in ClinVar:

ClinVar aggregate classification (germline): Uncertain significance (1 of 4 stars; one submission).

Submission:

GeneDx
Classification: Uncertain significance. Last evaluated: 2025-08-08. Review status: criteria provided, single submitter. Criteria: GeneDx Variant Classification Process June 2021. Collection method: clinical testing. Allele origin: germline. Affected: yes.
Comment: Not observed at significant frequency in large population cohorts (gnomAD); In silico analysis supports that this missense variant has a deleterious effect on protein structure/function; Has not been previously published as pathogenic or benign to our knowledge

NM_001145073.3(USP27X):c.10G>A (p.Asp4Asn)

Gene: USP27X (ubiquitin specific peptidase 27 X-linked; plus strand). Cytogenetic location: Xp11.23.
Variant type: single nucleotide variant.
Coding change: c.10G>A on transcript NM_001145073.3 (MANE Select); coding-DNA position 10, G replaced by A.
Protein change: p.Asp4Asn; replaces aspartic acid 4 with asparagine.
Molecular consequence: missense variant.
Genome position (GRCh38, 1-based): chrX:49,880,317, G>A. VCF-style: chrX-49880317-G-A. GRCh37 (hg19) VCF-style: chrX-49644920-G-A.
Other names: short protein forms D4N.
Identifiers: ClinVar variation 4755627 (VCV004755627.1).